The following is an entry in ClinVar:

ClinVar aggregate classification (germline): Uncertain significance (1 of 4 stars; one submission).

Conditions:
Lethal multiple pterygium syndrome (LMPS). Identifiers: Orphanet 33108, MedGen C1854678, MONDO:0009668, OMIM 253290.

Allele frequency attached by ClinVar (database versions not stated): gnomAD 0.00001.
gnomAD v4.1: 2 of 1,613,932 alleles (0.00012%); highest among the groups gnomAD compares: Admixed American, 0.0033%; no homozygotes.

Submission:

Labcorp Genetics (formerly Invitae), Labcorp
Classification: Uncertain significance for Lethal multiple pterygium syndrome. Last evaluated: 2023-05-19. Review status: criteria provided, single submitter. Criteria: Invitae Variant Classification Sherloc (09022015). Collection method: clinical testing. Allele origin: germline.
Comment: This sequence change replaces valine, which is neutral and non-polar, with phenylalanine, which is neutral and non-polar, at codon 328 of the CHRND protein (p.Val328Phe). This variant is not present in population databases (gnomAD no frequency). This variant has not been reported in the literature in individuals affected with CHRND-related conditions. Advanced modeling of protein sequence and biophysical properties (such as structural, functional, and spatial information, amino acid conservation, physicochemical variation, residue mobility, and thermodynamic stability) performed at Invitae indicates that this missense variant is expected to disrupt CHRND protein function. In summary, the available evidence is currently insufficient to determine the role of this variant in disease. Therefore, it has been classified as a Variant of Uncertain Significance.

NM_000751.3(CHRND):c.982G>T (p.Val328Phe)

Gene: CHRND (cholinergic receptor nicotinic delta subunit; plus strand). Cytogenetic location: 2q37.1.
Variant type: single nucleotide variant.
Coding change: c.982G>T on transcript NM_000751.3 (MANE Select); coding-DNA position 982, G replaced by T.
Protein change: p.Val328Phe; replaces valine 328 with phenylalanine.
Molecular consequence: missense variant.
Genome position (GRCh38, 1-based): chr2:232,531,591, G>T. VCF-style: chr2-232531591-G-T. GRCh37 (hg19) VCF-style: chr2-233396301-G-T.
Other names: c.937G>T, p.Val313Phe (NM_001256657.2); c.400G>T, p.Val134Phe (NM_001311195.2); c.679G>T, p.Val227Phe (NM_001311196.2); short protein forms V134F, V227F, V313F, V328F.
Identifiers: ClinVar variation 2905748 (VCV002905748.3), dbSNP rs762813704, ClinGen allele CA351003344.